The following is an entry in ClinVar:

ClinVar aggregate classification (germline): Likely benign. Review status: criteria provided, multiple submitters, no conflicts (2 of 4 stars). 2 submissions from 2 submitters: Likely benign (2). Last evaluated 2025-11-25.

Allele frequency attached by ClinVar (database versions not stated): gnomAD exomes 0.00001; gnomAD 0.00006; ExAC 0.00002; ESP Exome Variant Server 0.00008; 1000 Genomes Project 30x 0.00016; 1000 Genomes Project 0.00020.
gnomAD v4.1: 14 of 1,614,184 alleles (0.00087%); highest among the groups gnomAD compares: African/African-American, 0.013%; no homozygotes.

Submissions (2):

Dasa
Classification: Likely benign. Last evaluated: 2025-11-25. Review status: criteria provided, single submitter. Criteria: DASA Assertion Criteria. Collection method: clinical testing. Allele origin: germline.
Comment: NM_000400.4(ERCC2):c.2046+10C>T is a splice-region variant. Computational prediction algorithms are consistent with a benign effect. Therefore, based on the currently available evidence, this variant is classified as likely benign.

Labcorp Genetics (formerly Invitae), Labcorp
Classification: Likely benign. Last evaluated: 2024-10-08. Review status: criteria provided, single submitter. Criteria: Invitae Variant Classification Sherloc (09022015). Collection method: clinical testing. Allele origin: germline.

NM_000400.4(ERCC2):c.2046+10C>T

Gene: ERCC2 (ERCC excision repair 2, TFIIH core complex helicase subunit; minus strand). Cytogenetic location: 19q13.32.
Variant type: single nucleotide variant.
Coding change: c.2046+10C>T on transcript NM_000400.4 (MANE Select); 10 bases into the intron after coding-DNA position 2046, C replaced by T.
Molecular consequence: intron variant.
Genome position (GRCh38, 1-based): chr19:45,352,496, G>A on the plus strand (C>T on the coding strand, the complement: ERCC2 is on the minus strand). VCF-style: chr19-45352496-G-A. GRCh37 (hg19) VCF-style: chr19-45855754-G-A.
Identifiers: ClinVar variation 2176548 (VCV002176548.6), dbSNP rs377737770, ClinGen allele CA9512927.